The following is an entry in ClinVar:

ClinVar aggregate classification (germline): Conflicting classifications of pathogenicity. Review status: criteria provided, conflicting classifications (1 of 4 stars). 2 submissions from 2 submitters: Likely pathogenic (1); Uncertain significance (1). Last evaluated 2023-09-05.

Conditions:
3-Methylglutaconic aciduria type 3 (MGCA3). Also called: Costeff Syndrome; OPA3, AUTOSOMAL RECESSIVE; OPTIC ATROPHY 3, AUTOSOMAL RECESSIVE; OPA3-Related 3-Methylglutaconic Aciduria. Identifiers: Orphanet 67047, MedGen C0574084, MONDO:0009787, OMIM 258501.
Optic atrophy 3 (OPA3). Also called: Optic atrophy, cataract, and neurologic disorder; OPTIC ATROPHY 3, AUTOSOMAL DOMINANT; Optic atrophy 3 with cataract. Identifiers: Orphanet 67036, MedGen C1833809, MONDO:0008133, OMIM 165300.

Allele frequency attached by ClinVar (database versions not stated): gnomAD exomes below 0.00001; TOPMed below 0.00001.

Submissions (2):

Labcorp Genetics (formerly Invitae), Labcorp
Classification: Uncertain significance for 3-Methylglutaconic aciduria type 3; Optic atrophy 3. Last evaluated: 2023-09-05. Review status: criteria provided, single submitter. Criteria: Invitae Variant Classification Sherloc (09022015). Collection method: clinical testing. Allele origin: germline.
Comment: An algorithm developed to predict the effect of missense changes on protein structure and function (PolyPhen-2) suggests that this variant is likely to be disruptive. In summary, the available evidence is currently insufficient to determine the role of this variant in disease. Therefore, it has been classified as a Variant of Uncertain Significance. ClinVar contains an entry for this variant (Variation ID: 807645). This sequence change replaces glycine, which is neutral and non-polar, with aspartic acid, which is acidic and polar, at codon 85 of the OPA3 protein (p.Gly85Asp). This variant is not present in population databases (gnomAD no frequency). This variant has not been reported in the literature in individuals affected with OPA3-related conditions.

Institute of Human Genetics Munich, TUM University Hospital
Classification: Likely pathogenic for 3-Methylglutaconic aciduria type 3. Last evaluated: 2018-07-18. Review status: criteria provided, single submitter. Criteria: Classification criteria August 2017. Collection method: clinical testing. Allele origin: germline. Inheritance: Autosomal recessive inheritance. Affected: yes. Observed: 2 homozygotes.

NM_025136.4(OPA3):c.254G>A (p.Gly85Asp)

Genes: OPA3 (outer mitochondrial membrane lipid metabolism regulator OPA3; minus strand), OPA3-RTN2 (OPA3-RTN2 readthrough; minus strand). Cytogenetic location: 19q13.32.
Variant type: single nucleotide variant.
Coding change: c.254G>A on transcript NM_025136.4 (MANE Select); coding-DNA position 254, G replaced by A.
Protein change: p.Gly85Asp; replaces glycine 85 with aspartic acid.
Molecular consequence: missense variant. On other transcripts: intron variant (1).
Genome position (GRCh38, 1-based): chr19:45,553,800, C>T on the plus strand (G>A on the coding strand, the complement: OPA3 is on the minus strand). VCF-style: chr19-45553800-C-T. GRCh37 (hg19) VCF-style: chr19-46057058-C-T.
Other names: c.143-24344G>A (NM_001017989.3); short protein forms G85D.
Identifiers: ClinVar variation 807645 (VCV000807645.6), dbSNP rs1599964721, ClinGen allele CA406371065.